The following is an entry in ClinVar:

NM_001082486.2(ACD):c.75T>G (p.Ser25Arg)

Gene: ACD (ACD shelterin complex subunit and telomerase recruitment factor; minus strand). Cytogenetic location: 16q22.1.
Variant type: single nucleotide variant.
Coding change: c.75T>G on transcript NM_001082486.2 (MANE Select); coding-DNA position 75, T replaced by G.
Protein change: p.Ser25Arg; replaces serine 25 with arginine.
Molecular consequence: missense variant.
Genome position (GRCh38, 1-based): chr16:67,660,146, A>C on the plus strand (T>G on the coding strand, the complement: ACD is on the minus strand). VCF-style: chr16-67660146-A-C. GRCh37 (hg19) VCF-style: chr16-67694049-A-C.
Other names: c.75T>G, p.Ser25Arg (NM_001410884.1, NM_022914.3); short protein forms S25R.
Identifiers: ClinVar variation 1730410 (VCV001730410.2), dbSNP rs2052976583, ClinGen allele CA396358196.

ClinVar aggregate classification (germline): Uncertain significance (1 of 4 stars; one submission).

Conditions:
Inborn genetic diseases. Identifiers: MedGen C0950123, MeSH D030342.

Allele frequency attached by ClinVar (database versions not stated): gnomAD exomes below 0.00001; gnomAD 0.00001; TOPMed 0.00001.

Submission:

Ambry Genetics
Classification: Uncertain significance for Inborn genetic diseases. Last evaluated: 2022-03-07. Review status: criteria provided, single submitter. Criteria: Ambry Variant Classification Scheme 2023. Collection method: clinical testing. Allele origin: germline.
Comment: The p.S111R variant (also known as c.333T>G), located in coding exon 1 of the ACD gene, results from a T to G substitution at nucleotide position 333. The serine at codon 111 is replaced by arginine, an amino acid with dissimilar properties. This amino acid position is conserved. In addition, this alteration is predicted to be tolerated by in silico analysis. Since supporting evidence is limited at this time, the clinical significance of this alteration remains unclear.